The following is an entry in ClinVar:

ClinVar aggregate classification (germline): Uncertain significance. Review status: criteria provided, multiple submitters, no conflicts (2 of 4 stars). 2 submissions from 2 submitters: Uncertain significance (2). Last evaluated 2025-11-03.

Conditions:
Charcot-Marie-Tooth disease type 2. Also called: Charcot-Marie-Tooth type 2. Identifiers: Orphanet 64746, MedGen C0270914, MONDO:0018993.

Allele frequency attached by ClinVar (database versions not stated): gnomAD exomes below 0.00001 and 0.00003; gnomAD 0.00001; TOPMed 0.00002.
gnomAD v4.1: 49 of 1,613,956 alleles (0.003%); highest among the groups gnomAD compares: Non-Finnish European, 0.004%; no homozygotes.

Submissions (2):

Labcorp Genetics (formerly Invitae), Labcorp
Classification: Uncertain significance for Charcot-Marie-Tooth disease type 2. Last evaluated: 2025-11-03. Review status: criteria provided, single submitter. Criteria: Invitae Variant Classification Sherloc (09022015). Collection method: clinical testing. Allele origin: germline.
Comment: This sequence change replaces isoleucine, which is neutral and non-polar, with valine, which is neutral and non-polar, at codon 57 of the AARS protein (p.Ile57Val). This variant is present in population databases (rs372131127, gnomAD 0.0009%). This variant has not been reported in the literature in individuals affected with AARS-related conditions. ClinVar contains an entry for this variant (Variation ID: 1019644). Invitae Evidence Modeling of protein sequence and biophysical properties (such as structural, functional, and spatial information, amino acid conservation, physicochemical variation, residue mobility, and thermodynamic stability) indicates that this missense variant is not expected to disrupt AARS protein function with a negative predictive value of 95%. In summary, the available evidence is currently insufficient to determine the role of this variant in disease. Therefore, it has been classified as a Variant of Uncertain Significance.

CeGaT Center for Human Genetics Tuebingen
Classification: Uncertain significance. Last evaluated: 2022-03-01. Review status: criteria provided, single submitter. Criteria: CeGaT Center For Human Genetics Tuebingen Variant Classification Criteria Version 2. Collection method: clinical testing. Allele origin: germline. Affected: yes. Observed: 1 variant allele.

NM_001605.3(AARS1):c.169A>G (p.Ile57Val)

Gene: AARS1 (alanyl-tRNA synthetase 1; minus strand). Cytogenetic location: 16q22.1.
Variant type: single nucleotide variant.
Coding change: c.169A>G on transcript NM_001605.3 (MANE Select); coding-DNA position 169, A replaced by G.
Protein change: p.Ile57Val; replaces isoleucine 57 with valine.
Molecular consequence: missense variant.
Genome position (GRCh38, 1-based): chr16:70,277,130, T>C on the plus strand (A>G on the coding strand, the complement: AARS1 is on the minus strand). VCF-style: chr16-70277130-T-C. GRCh37 (hg19) VCF-style: chr16-70311033-T-C.
Other names: short protein forms I57V.
Identifiers: ClinVar variation 1019644 (VCV001019644.32), dbSNP rs372131127, ClinGen allele CA283449372.